The following is an entry in ClinVar:

NM_000089.4(COL1A2):c.1770A>G (p.Glu590=)

Gene: COL1A2 (collagen type I alpha 2 chain; plus strand). Cytogenetic location: 7q21.3.
Variant type: single nucleotide variant.
Coding change: c.1770A>G on transcript NM_000089.4 (MANE Select); coding-DNA position 1770, A replaced by G.
Protein change: p.Glu590=; no amino-acid change (glutamic acid 590 retained).
Molecular consequence: synonymous variant.
Genome position (GRCh38, 1-based): chr7:94,416,410, A>G. VCF-style: chr7-94416410-A-G. GRCh37 (hg19) VCF-style: chr7-94045722-A-G.
Other names: p.Glu590=.
Identifiers: ClinVar variation 509589 (VCV000509589.17), dbSNP rs138019868, ClinGen allele CA4347203.

ClinVar aggregate classification (germline): Likely benign. Review status: criteria provided, multiple submitters, no conflicts (2 of 4 stars). 7 submissions from 7 submitters: Likely benign (7). Last evaluated 2026-01-29.

Conditions:
Osteogenesis imperfecta type I (OI1). Also called: OI, TYPE I; OSTEOGENESIS IMPERFECTA TARDA; OSTEOGENESIS IMPERFECTA WITH BLUE SCLERAE; Lobstein disease; Lobstein's Disease; Classic Non-deforming Osteogenesis Imperfecta with Blue Sclerae. Identifiers: Orphanet 216796, Orphanet 666, MedGen C0023931, MONDO:0008146, OMIM 166200. Disease mechanism: loss of function.
Ehlers-Danlos syndrome, classic type, 1 (EDSCL1). Also called: EHLERS-DANLOS SYNDROME, GRAVIS TYPE; EHLERS-DANLOS SYNDROME, SEVERE CLASSIC TYPE; Ehlers-Danlos syndrome, type 1; Ehlers-Danlos Syndrome, Classic Type, COL5A1-Related; EDS I. Identifiers: MedGen C0268335, MONDO:0019567, OMIM 130000.
Cardiovascular phenotype. Identifiers: MedGen CN230736.

Allele frequency attached by ClinVar (database versions not stated): gnomAD 0.00010; gnomAD exomes 0.00011 and 0.00025; TOPMed 0.00011; ESP Exome Variant Server 0.00015; 1000 Genomes Project 30x 0.00016; 1000 Genomes Project 0.00020; ExAC 0.00020.
gnomAD v4.1: 361 of 1,572,018 alleles (0.023%); highest among the groups gnomAD compares: Non-Finnish European, 0.03%; no homozygotes.

Submissions (7):

Labcorp Genetics (formerly Invitae), Labcorp
Classification: Likely benign for Osteogenesis imperfecta type I; Ehlers-Danlos syndrome, classic type, 1. Last evaluated: 2026-01-29. Review status: criteria provided, single submitter. Criteria: Invitae Variant Classification Sherloc (09022015). Collection method: clinical testing. Allele origin: germline.

Mayo Clinic Laboratories, Mayo Clinic
Classification: Likely benign. Last evaluated: 2025-05-08. Review status: criteria provided, single submitter. Criteria: ACMG Guidelines, 2015. Collection method: clinical testing. Allele origin: germline. Observed: 1 variant allele.
Comment: BP4, BP7

Women's Health and Genetics/Laboratory Corporation of America, LabCorp
Classification: Likely benign. Last evaluated: 2025-02-26. Review status: criteria provided, single submitter. Criteria: LabCorp Variant Classification Summary - May 2015. Collection method: clinical testing. Allele origin: germline.

Blueprint Genetics
Classification: Likely benign. Last evaluated: 2024-09-20. Review status: criteria provided, single submitter. Criteria: ACMG Guidelines, 2015. Collection method: clinical testing. Allele origin: germline.

ARUP Laboratories, Molecular Genetics and Genomics, ARUP Laboratories
Classification: Likely benign. Last evaluated: 2024-02-16. Review status: criteria provided, single submitter. Criteria: ARUP Molecular Germline Variant Investigation Process 2024. Collection method: clinical testing. Allele origin: germline.

Ambry Genetics
Classification: Likely benign for Cardiovascular phenotype. Last evaluated: 2019-03-18. Review status: criteria provided, single submitter. Criteria: Ambry Variant Classification Scheme 2023. Collection method: clinical testing. Allele origin: germline.

GeneDx
Classification: Likely benign. Last evaluated: 2017-05-15. Review status: criteria provided, single submitter. Criteria: GeneDx Variant Classification (06012015). Collection method: clinical testing. Allele origin: germline. Affected: yes.
Comment: This variant is considered likely benign or benign based on one or more of the following criteria: it is a conservative change, it occurs at a poorly conserved position in the protein, it is predicted to be benign by multiple in silico algorithms, and/or has population frequency not consistent with disease.